The following is an entry in ClinVar:

NM_001142966.3(GREB1L):c.374A>G (p.Lys125Arg)

Genes: GREB1L (GREB1 like retinoic acid receptor coactivator; plus strand), GREB1L-AS1 (GREB1L antisense RNA 1; minus strand). Cytogenetic location: 18q11.1.
Variant type: single nucleotide variant.
Coding change: c.374A>G on transcript NM_001142966.3 (MANE Select); coding-DNA position 374, A replaced by G.
Protein change: p.Lys125Arg; replaces lysine 125 with arginine.
Molecular consequence: missense variant.
Genome position (GRCh38, 1-based): chr18:21,395,403, A>G. VCF-style: chr18-21395403-A-G. GRCh37 (hg19) VCF-style: chr18-18975364-A-G.
Other names: c.374A>G, p.Lys125Arg (NM_001410867.1, NM_001410868.1); short protein forms K125R.
Identifiers: ClinVar variation 2175922 (VCV002175922.4), dbSNP rs1479687090, ClinGen allele CA401795322.
Genomic context (GRCh38, chr18:21,395,403, plus strand): 5'-CTAAACATTTCACTGTGTCCTTTTTTTTAAACTGGTTTTTAGGTTTTTGTCAAGCAGGAA[A>G]GGATTTGCGTTTGGTATCACTGTGTATGGAACAAATTGACATCCCAGCAGGATTCCTCCT-3'
Protein context (NP_001136438.1, residues 115-135): CTTDGFCQAG[Lys125Arg]DLRLVSLCME

ClinVar aggregate classification (germline): Uncertain significance (1 of 4 stars; one submission).

Allele frequency attached by ClinVar (database versions not stated): TOPMed below 0.00001; gnomAD 0.00001; gnomAD exomes 0.00001.

Submission:

Labcorp Genetics (formerly Invitae), Labcorp
Classification: Uncertain significance. Last evaluated: 2024-04-22. Review status: criteria provided, single submitter. Criteria: Invitae Variant Classification Sherloc (09022015). Collection method: clinical testing. Allele origin: germline.
Comment: This sequence change replaces lysine, which is basic and polar, with arginine, which is basic and polar, at codon 125 of the GREB1L protein (p.Lys125Arg). The frequency data for this variant in the population databases is considered unreliable, as metrics indicate poor data quality at this position in the gnomAD database. This variant has not been reported in the literature in individuals affected with GREB1L-related conditions. This missense change has been observed in at least one individual who was not affected with GREB1L-related conditions (Invitae). ClinVar contains an entry for this variant (Variation ID: 2175922). An algorithm developed to predict the effect of missense changes on protein structure and function (PolyPhen-2) suggests that this variant is likely to be disruptive. In summary, the available evidence is currently insufficient to determine the role of this variant in disease. Therefore, it has been classified as a Variant of Uncertain Significance.